The following is an entry in ClinVar:

NM_000238.4(KCNH2):c.1916TCT[1] (p.Phe640del)

Gene: KCNH2 (potassium voltage-gated channel subfamily H member 2; minus strand). Cytogenetic location: 7q36.1.
Variant type: Microsatellite.
Coding change: c.1916TCT[1] on transcript NM_000238.4 (MANE Select); one copy of the 3-base unit TCT starting at c.1916; the reference has two copies in a row; one copy, 3 bases deleted; also written c.1919_1921del.
Protein change: p.Phe640del; deletes phenylalanine 640.
Molecular consequence: inframe deletion. On other transcripts: inframe indel (5).
Genome position (GRCh38, 1-based): chr7:150,951,472-150,951,474, AGA deleted on the plus strand (TCT on the coding strand, the reverse complement: KCNH2 is on the minus strand); deleting any 3 consecutive bases within chr7:150,951,472-150,951,477 gives the same sequence; the position shown is the placement nearest the transcript's 3' end. VCF-style (leftmost placement, unchanged base first): chr7-150951471-GAGA-G. GRCh37 (hg19) VCF-style: chr7-150648559-GAGA-G.
Other names: p.Phe640del; c.896TCT[1], p.Phe300del (NM_001204798.2, NM_172057.3); c.1628_1630TCT[1], p.Phe544del (NM_001406753.1, NM_001406756.1); c.1739_1741TCT[1], p.Phe581del (NM_001406755.1); c.1616_1618TCT[1], p.Phe540del (NM_001406757.1); c.1916_1918TCT[1], p.Phe640del (NM_172056.3); c.1919_1921del (NM_000238.4); short protein forms F540del, F544del, F581del, F300del, F640del.
Identifiers: ClinVar variation 2136627 (VCV002136627.7), dbSNP rs2486035735, ClinGen allele CA2580614285.
Genomic context (GRCh38, chr7:150,951,471, plus strand): 5'-TGGGCTCTCCCCGCCGCCCGCCCCTGGGCACACTCACAGCCAATGAGCATGACGCAGATG[GAGA>G]AGATCTTCTCTGAGTTGGTGTTGGGAGAGACGTTGCCGAAGCCCACACTGGTGAGGCTGC-3'

ClinVar aggregate classification (germline): Conflicting classifications of pathogenicity. Review status: criteria provided, conflicting classifications (1 of 4 stars). 3 submissions from 3 submitters: Pathogenic (1); Likely pathogenic (1); Uncertain significance (1). Last evaluated 2024-08-20.

Conditions:
Long QT syndrome (LQTS). Identifiers: MedGen C0023976, MeSH D008133, MONDO:0002442. Disease mechanism: loss of function. Inheritance: Various modes of inheritance.
Long QT syndrome 2 (LQT2). Identifiers: Orphanet 101016, Orphanet 768, MedGen C3150943, MONDO:0013367, OMIM 613688.
KCNH2-related disorder. Also called: KCNH2-related condition; KCNH2-related disorders.

Submissions (3):

Molecular Genetics and NGS Laboratory, Hospital Fundacion Valle Del Lili
Classification: Pathogenic for Long QT syndrome 2. Last evaluated: 2024-08-20. Review status: criteria provided, single submitter. Criteria: ACMG Guidelines, 2015. Collection method: clinical testing. Allele origin: germline. Affected: yes. Observed: 1 variant allele.

Labcorp Genetics (formerly Invitae), Labcorp
Classification: Uncertain significance for Long QT syndrome. Last evaluated: 2022-08-06. Review status: criteria provided, single submitter. Criteria: Invitae Variant Classification Sherloc (09022015). Collection method: clinical testing. Allele origin: germline.
Comment: In summary, the available evidence is currently insufficient to determine the role of this variant in disease. Therefore, it has been classified as a Variant of Uncertain Significance. Experimental studies and prediction algorithms are not available or were not evaluated, and the functional significance of this variant is currently unknown. This variant has been observed in individual(s) with long QT syndrome (PMID: 18441445, 22727609). This variant is not present in population databases (gnomAD no frequency). This variant, c.1919_1921del, results in the deletion of 1 amino acid(s) of the KCNH2 protein (p.Phe640del), but otherwise preserves the integrity of the reading frame.

Blueprint Genetics
Classification: Likely pathogenic for KCNH2-related disorders. Last evaluated: 2019-07-29. Review status: criteria provided, single submitter. Criteria: ACMG Guidelines, 2015. Collection method: clinical testing. Allele origin: germline. Affected: yes. Observed: 2 variant alleles.

Literature cited by the submitters: PubMed 18441445 (cited by Labcorp Genetics (formerly Invitae), Labcorp); PubMed 22727609 (cited by Labcorp Genetics (formerly Invitae), Labcorp).